The following is an entry in ClinVar:

ClinVar aggregate classification (germline): Uncertain significance (1 of 4 stars; one submission).

gnomAD v4.1: 1 of 1,529,338 alleles (0.000065%); highest among the groups gnomAD compares: Non-Finnish European, 0.000088%; no homozygotes.

Submission:

Dasa
Classification: Uncertain significance. Last evaluated: 2026-03-09. Review status: criteria provided, single submitter. Criteria: DASA Assertion Criteria. Collection method: clinical testing. Allele origin: germline.
Comment: NM_001378328.1(CELSR1):c.6884-2A>G affects a canonical splice site and is predicted to disrupt normal RNA splicing. This variant is rare in population databases. The currently available literature and clinical evidence are not sufficient to establish a definitive association between this variant and the reported condition. Therefore, this variant is classified as a variant of uncertain significance.

NM_001378328.1(CELSR1):c.6884-2A>G

Gene: CELSR1 (cadherin EGF LAG seven-pass G-type receptor 1; minus strand). Cytogenetic location: 22q13.31.
Variant type: single nucleotide variant.
Coding change: c.6884-2A>G on transcript NM_001378328.1 (MANE Select); the canonical splice acceptor site of the intron before coding-DNA position 6884, A replaced by G.
Molecular consequence: splice acceptor variant.
Genome position (GRCh38, 1-based): chr22:46,382,052, T>C on the plus strand (A>G on the coding strand, the complement: CELSR1 is on the minus strand). VCF-style: chr22-46382052-T-C. GRCh37 (hg19) VCF-style: chr22-46777949-T-C.
Other names: c.6884-2A>G (NM_014246.4).
Identifiers: ClinVar variation 4886240 (VCV004886240.2).
Genomic context (GRCh38, chr22:46,382,052, plus strand): 5'-CCCCGGGCGCGTGGTCTGCGGGGTGGTCCTCCGGCCAGCCGGCCTCAGCAGGGGGCCTTC[T>C]GCAATGTGAGCAGAAGGTGAGGACTCTGGCAGGAGCACCTGTGTTCCCCAAGACTGCCGT-3'